The following is an entry in ClinVar:

ClinVar aggregate classification (germline): Uncertain significance (1 of 4 stars; one submission).

Conditions:
Pyruvate carboxylase deficiency. Also called: LEIGH NECROTIZING ENCEPHALOPATHY DUE TO PYRUVATE CARBOXYLASE DEFICIENCY; LEIGH SYNDROME DUE TO PYRUVATE CARBOXYLASE DEFICIENCY; PC DEFICIENCY; Pyruvate Carboxylase Deficiency Disease; ATAXIA WITH LACTIC ACIDOSIS II. Identifiers: Orphanet 3008, MedGen C0034341, MONDO:0009949, OMIM 266150.

Submission:

Labcorp Genetics (formerly Invitae), Labcorp
Classification: Uncertain significance for Pyruvate carboxylase deficiency. Last evaluated: 2025-07-16. Review status: criteria provided, single submitter. Criteria: Invitae Variant Classification Sherloc (09022015). Collection method: clinical testing. Allele origin: germline.
Comment: This sequence change replaces glycine, which is neutral and non-polar, with arginine, which is basic and polar, at codon 9 of the PC protein (p.Gly9Arg). This variant is not present in population databases (gnomAD no frequency). This variant has not been reported in the literature in individuals affected with PC-related conditions. Invitae Evidence Modeling of protein sequence and biophysical properties (such as structural, functional, and spatial information, amino acid conservation, physicochemical variation, residue mobility, and thermodynamic stability) indicates that this missense variant is expected to disrupt PC protein function with a positive predictive value of 95%. In summary, the available evidence is currently insufficient to determine the role of this variant in disease. Therefore, it has been classified as a Variant of Uncertain Significance.

NM_001040716.2(PC):c.25G>A (p.Gly9Arg)

Gene: PC (pyruvate carboxylase; minus strand). Cytogenetic location: 11q13.2.
Variant type: single nucleotide variant.
Coding change: c.25G>A on transcript NM_001040716.2 (MANE Select); coding-DNA position 25, G replaced by A.
Protein change: p.Gly9Arg; replaces glycine 9 with arginine.
Molecular consequence: missense variant.
Genome position (GRCh38, 1-based): chr11:66,872,135, C>T on the plus strand (G>A on the coding strand, the complement: PC is on the minus strand). VCF-style: chr11-66872135-C-T. GRCh37 (hg19) VCF-style: chr11-66639606-C-T.
Other names: c.25G>A, p.Gly9Arg (NM_000920.4, NM_001439352.1, NM_001439353.1 and 5 more transcripts); short protein forms G9R.
Identifiers: ClinVar variation 4800440 (VCV004800440.1).